The following is an entry in ClinVar:

ClinVar aggregate classification (germline): Uncertain significance (1 of 4 stars; one submission).

Submission:

Labcorp Genetics (formerly Invitae), Labcorp
Classification: Uncertain significance. Last evaluated: 2023-11-07. Review status: criteria provided, single submitter. Criteria: Invitae Variant Classification Sherloc (09022015). Collection method: clinical testing. Allele origin: germline.
Comment: This sequence change replaces leucine, which is neutral and non-polar, with valine, which is neutral and non-polar, at codon 14 of the PLG protein (p.Leu14Val). This variant is not present in population databases (gnomAD no frequency). This variant has not been reported in the literature in individuals affected with PLG-related conditions. Advanced modeling of protein sequence and biophysical properties (such as structural, functional, and spatial information, amino acid conservation, physicochemical variation, residue mobility, and thermodynamic stability) performed at Invitae indicates that this missense variant is not expected to disrupt PLG protein function with a negative predictive value of 95%. In summary, the available evidence is currently insufficient to determine the role of this variant in disease. Therefore, it has been classified as a Variant of Uncertain Significance.

NM_000301.5(PLG):c.40C>G (p.Leu14Val)

Gene: PLG (plasminogen; plus strand). Cytogenetic location: 6q26.
Variant type: single nucleotide variant.
Coding change: c.40C>G on transcript NM_000301.5 (MANE Select); coding-DNA position 40, C replaced by G.
Protein change: p.Leu14Val; replaces leucine 14 with valine.
Molecular consequence: missense variant.
Genome position (GRCh38, 1-based): chr6:160,702,344, C>G. VCF-style: chr6-160702344-C-G. GRCh37 (hg19) VCF-style: chr6-161123376-C-G.
Other names: c.40C>G, p.Leu14Val (NM_001168338.1); short protein forms L14V.
Identifiers: ClinVar variation 2694114 (VCV002694114.3), dbSNP rs1191830134, ClinGen allele CA366355157.